The following is an entry in ClinVar:

NM_001875.5(CPS1):c.3439G>A (p.Glu1147Lys)

Gene: CPS1 (carbamoyl-phosphate synthase 1; plus strand). Cytogenetic location: 2q34.
Variant type: single nucleotide variant.
Coding change: c.3439G>A on transcript NM_001875.5 (MANE Select); coding-DNA position 3439, G replaced by A.
Protein change: p.Glu1147Lys; replaces glutamic acid 1147 with lysine.
Molecular consequence: missense variant. On other transcripts: non-coding transcript variant (2).
Genome position (GRCh38, 1-based): chr2:210,650,397, G>A. VCF-style: chr2-210650397-G-A. GRCh37 (hg19) VCF-style: chr2-211515121-G-A.
Other names: c.3439G>A, p.Glu1147Lys (NM_001122633.3, NM_001369257.1); c.3472G>A, p.Glu1158Lys (NM_001369256.1); short protein forms E1147K, E1158K.
Identifiers: ClinVar variation 1479113 (VCV001479113.5), dbSNP rs1414071158, ClinGen allele CA350436941.

ClinVar aggregate classification (germline): Uncertain significance (1 of 4 stars; one submission).

Conditions:
Congenital hyperammonemia, type I. Also called: Carbamoyl phosphate synthetase I deficiency disease; CPS I DEFICIENCY; Carbamoyl phosphate synthetase 1 deficiency; Hyperammonemia due to carbamoyl phosphate synthetase 1 deficiency; CPS 1 deficiency; Carbamyl phosphate synthetase (CPS) deficiency. Identifiers: Orphanet 147, MedGen C4082171, MONDO:0009376, OMIM 237300.

Allele frequency attached by ClinVar (database versions not stated): gnomAD exomes below 0.00001.

Submission:

Labcorp Genetics (formerly Invitae), Labcorp
Classification: Uncertain significance for Congenital hyperammonemia, type I. Last evaluated: 2022-01-14. Review status: criteria provided, single submitter. Criteria: Invitae Variant Classification Sherloc (09022015). Collection method: clinical testing. Allele origin: germline.
Comment: This sequence change replaces glutamic acid, which is acidic and polar, with lysine, which is basic and polar, at codon 1147 of the CPS1 protein (p.Glu1147Lys). This variant is present in population databases (no rsID available, gnomAD 0.003%). This variant has not been reported in the literature in individuals affected with CPS1-related conditions. Algorithms developed to predict the effect of missense changes on protein structure and function are either unavailable or do not agree on the potential impact of this missense change (SIFT: "Deleterious"; PolyPhen-2: "Probably Damaging"; Align-GVGD: "Class C0"). In summary, the available evidence is currently insufficient to determine the role of this variant in disease. Therefore, it has been classified as a Variant of Uncertain Significance.